The following is an entry in ClinVar:

ClinVar aggregate classification (germline): Likely benign (1 of 4 stars; one submission).

Allele frequency attached by ClinVar (database versions not stated): TOPMed 0.00006; gnomAD 0.00009; ExAC 0.00011; 1000 Genomes Project 30x 0.00016; 1000 Genomes Project 0.00020.
gnomAD v4.1: 89 of 1,610,026 alleles (0.0055%); highest among the groups gnomAD compares: South Asian, 0.029%; no homozygotes.

Submission:

CeGaT Center for Human Genetics Tuebingen
Classification: Likely benign. Last evaluated: 2022-09-01. Review status: criteria provided, single submitter. Criteria: CeGaT Center For Human Genetics Tuebingen Variant Classification Criteria Version 2. Collection method: clinical testing. Allele origin: germline. Affected: yes. Observed: 1 variant allele.
Comment: PHRF1: BP4, BP7

NM_001286581.2(PHRF1):c.3765C>T (p.Asp1255=)

Gene: PHRF1 (PHD and ring finger domains 1; plus strand). Cytogenetic location: 11p15.5.
Variant type: single nucleotide variant.
Coding change: c.3765C>T on transcript NM_001286581.2 (MANE Select); coding-DNA position 3765, C replaced by T.
Protein change: p.Asp1255=; no amino-acid change (aspartic acid 1255 retained).
Molecular consequence: synonymous variant.
Genome position (GRCh38, 1-based): chr11:609,221, C>T. VCF-style: chr11-609221-C-T. GRCh37 (hg19) VCF-style: chr11-609221-C-T.
Other names: c.3759C>T, p.Asp1253= (NM_001286582.2); c.3753C>T, p.Asp1251= (NM_001286583.2); c.3762C>T, p.Asp1254= (NM_020901.4).
Identifiers: ClinVar variation 2641079 (VCV002641079.24), dbSNP rs555491602, ClinGen allele CA5782929.
Genomic context (GRCh38, chr11:609,221, plus strand): 5'-CGACAAGGCCCCCCTGCAGGCTCCCCCTGTCCTGGAGGTGGCAGCTGAGTGTGAGCCGGA[C>T]GACCTGGACCTGGATTATGGCGACTCCGTGGAGGCCGGACACGTCTTTGATGATTTCTCA-3'
Protein context (NP_001273510.1, residues 1245-1265): VLEVAAECEP[Asp1255=]DLDLDYGDSV